The following is an entry in ClinVar:

ClinVar aggregate classification (germline): Uncertain significance (1 of 4 stars; one submission).

Conditions:
FGFR1-related disorder. Also called: FGFR1-related condition; FGFR1-related disorders. Identifiers: MedGen CN380097.

Submission:

PreventionGenetics, part of Exact Sciences
Classification: Uncertain significance for FGFR1-related condition. Last evaluated: 2026-08-20. Review status: criteria provided, single submitter. Criteria: ACMG Guidelines, 2015. Collection method: clinical testing. Allele origin: germline.
Comment: The FGFR1 c.1643_1657del15 variant is predicted to result in an in-frame deletion (p.Leu548_Thr552del). To our knowledge, this variant has not been reported in the literature or in a large population database (gnomAD), indicating this variant is rare. At this time, the clinical significance of this variant is uncertain due to the absence of conclusive functional and genetic evidence.

NM_023110.3(FGFR1):c.1643_1657del (p.Leu548_Thr552del)

Gene: FGFR1 (fibroblast growth factor receptor 1; minus strand). Cytogenetic location: 8p11.23.
Variant type: Deletion.
Coding change: c.1643_1657del on transcript NM_023110.3 (MANE Select); coding-DNA positions 1643 to 1657, 15 bases deleted (TGGGGGCCTGCACGC).
Protein change: p.Leu548_Thr552del.
Molecular consequence: inframe deletion. On other transcripts: inframe indel (1).
Genome position (GRCh38, 1-based): chr8:38,417,312-38,417,326, GCGTGCAGGCCCCCA deleted on the plus strand (TGGGGGCCTGCACGC on the coding strand, the reverse complement: FGFR1 is on the minus strand); deleting any 15 consecutive bases within chr8:38,417,312-38,417,328 gives the same sequence; the c. name uses the placement nearest the transcript's 3' end. VCF-style (leftmost placement, unchanged base first): chr8-38417311-TGCGTGCAGGCCCCCA-T. GRCh37 (hg19) VCF-style: chr8-38274829-TGCGTGCAGGCCCCCA-T.
Other names: c.1637_1651del, p.Leu546_Thr550del (NM_001174063.2, NM_001174065.2, NM_001354367.2 and 1 more transcripts); c.1613_1627del, p.Leu538_Thr542del (NM_001174064.2); c.1376_1390del, p.Leu459_Thr463del (NM_001174066.2, NM_023105.3); c.1736_1750del, p.Leu579_Thr583del (NM_001174067.2); c.1364_1378del, p.Leu455_Thr459del (NM_001354368.2); c.1631_1645del, p.Leu544_Thr548del (NM_001354369.2, NM_001410922.1); c.1370_1384del, p.Leu457_Thr461del (NM_001354370.2, NM_023106.3); c.1643_1657del15 (NM_023110.2).
Identifiers: ClinVar variation 4995509 (VCV004995509.1).